The following is an entry in ClinVar:

ClinVar aggregate classification (germline): Conflicting classifications of pathogenicity. Review status: criteria provided, conflicting classifications (1 of 4 stars). 9 submissions from 9 submitters: Likely pathogenic (2); Uncertain significance (5). 2 of the submissions do not count toward it. Last evaluated 2026-02-24.

Conditions:
BBS12-related disorder. Also called: BBS12-related condition.
Bardet-Biedl syndrome (BBS). Identifiers: Orphanet 110, MedGen C0752166, MONDO:0015229.
Bardet-Biedl syndrome 12 (BBS12). Identifiers: Orphanet 110, MedGen C1859570, MONDO:0014440, OMIM 615989.

Allele frequency attached by ClinVar (database versions not stated): ExAC 0.00002; gnomAD exomes 0.00002 and 0.00001; TOPMed 0.00003; gnomAD 0.00001.
gnomAD v4.1: 47 of 1,613,618 alleles (0.0029%); highest among the groups gnomAD compares: Admixed American, 0.02%; no homozygotes.

Submissions (9):

PreventionGenetics, part of Exact Sciences
Classification: Uncertain significance for BBS12-related condition. Last evaluated: 2026-02-24. Review status: criteria provided, single submitter. Criteria: ACMG Guidelines, 2015. Collection method: clinical testing. Allele origin: germline.
Comment: The BBS12 c.65T>C variant is predicted to result in the amino acid substitution p.Phe22Ser. This variant has been reported in the homozygous state in a patient with Bardet-Biedl syndrome, although pathogenicity was not established (Table S4, Mary et al. 2019. PubMed ID: 30614526). This variant is reported in 0.0058% of alleles in individuals of Latino descent in gnomAD. Although we suspect that this variant may be pathogenic, at this time, the clinical significance of this variant is uncertain due to the absence of conclusive functional and genetic evidence.

Labcorp Genetics (formerly Invitae), Labcorp
Classification: Likely pathogenic for Bardet-Biedl syndrome. Last evaluated: 2026-01-26. Review status: criteria provided, single submitter. Criteria: Invitae Variant Classification Sherloc (09022015). Collection method: clinical testing. Allele origin: germline.
Comment: This sequence change replaces phenylalanine, which is neutral and non-polar, with serine, which is neutral and polar, at codon 22 of the BBS12 protein (p.Phe22Ser). This variant is present in population databases (rs565073445, gnomAD 0.006%). This missense change has been observed in individuals with clinical features of Bardet-Biedl syndrome (PMID: 30614526; internal data). ClinVar contains an entry for this variant (Variation ID: 585191). Invitae Evidence Modeling of protein sequence and biophysical properties (such as structural, functional, and spatial information, amino acid conservation, physicochemical variation, residue mobility, and thermodynamic stability) indicates that this missense variant is expected to disrupt BBS12 protein function with a positive predictive value of 80%. In summary, the currently available evidence indicates that the variant is pathogenic, but additional data are needed to prove that conclusively. Therefore, this variant has been classified as Likely Pathogenic.

Dasa
Classification: Uncertain significance. Last evaluated: 2025-06-17. Review status: criteria provided, single submitter. Criteria: DASA Assertion Criteria. Collection method: clinical testing. Allele origin: germline.
Comment: NM_152618.3(BBS12):c.65T>C (p.Phe22Ser) is a missense variant that results in the substitution of phenylalanine with serine. This variant has been recurrently observed in individuals with BBS12-related disorders (PMID: 30614526; PMID: 31589614). Also, this variant is rare in population databases. The currently available literature and clinical evidence are not sufficient to establish a definitive association between this variant and the reported condition. Therefore, this variant is classified as a variant of uncertain significance.

Revvity Omics, Revvity
Classification: Uncertain significance for Bardet-Biedl syndrome 12. Last evaluated: 2024-09-11. Review status: criteria provided, single submitter. Criteria: ACMG Guidelines, 2015. Collection method: clinical testing. Allele origin: germline.

Fulgent Genetics
Classification: Likely pathogenic for Bardet-Biedl syndrome 12. Last evaluated: 2024-04-02. Review status: criteria provided, single submitter. Criteria: ACMG Guidelines, 2015. Collection method: clinical testing. Allele origin: germline.

Blueprint Genetics
Classification: Uncertain significance. Last evaluated: 2021-11-30. Review status: criteria provided, single submitter. Criteria: ACMG Guidelines, 2015. Collection method: clinical testing. Allele origin: germline.

GeneDx
Classification: Uncertain significance. Last evaluated: 2021-04-02. Review status: criteria provided, single submitter. Criteria: GeneDx Variant Classification Process June 2021. Collection method: clinical testing. Allele origin: germline. Affected: yes.
Comment: In silico analysis supports that this missense variant does not alter protein structure/function; This variant is associated with the following publications: (PMID: 30614526, 31589614)

Natera, Inc.
Classification: Uncertain significance for Bardet-Biedl syndrome type 12. Last evaluated: 2020-09-29. Review status: no assertion criteria provided. Collection method: clinical testing. Allele origin: germline. Not counted in ClinVar's aggregate classification.

Laboratory of Medical Genetics (UMR_S 1112), INSERM/Strasbourg University
Classification: Pathogenic for Bardet-Biedl syndrome. Last evaluated: 2018-09-15. Review status: no assertion criteria provided. Collection method: provider interpretation. Allele origin: germline. Affected: yes. Study: French fetal BBS cohort. Not counted in ClinVar's aggregate classification.

Literature cited by the submitters: PubMed 30614526 (cited by 3 submitters); PubMed 31589614 (cited by Dasa).

NM_152618.3(BBS12):c.65T>C (p.Phe22Ser)

Gene: BBS12 (Bardet-Biedl syndrome 12; plus strand). Cytogenetic location: 4q27.
Variant type: single nucleotide variant.
Coding change: c.65T>C on transcript NM_152618.3 (MANE Select); coding-DNA position 65, T replaced by C.
Protein change: p.Phe22Ser; replaces phenylalanine 22 with serine.
Molecular consequence: missense variant.
Genome position (GRCh38, 1-based): chr4:122,741,957, T>C. VCF-style: chr4-122741957-T-C. GRCh37 (hg19) VCF-style: chr4-123663112-T-C.
Other names: c.65T>C, p.Phe22Ser (NM_001178007.2); short protein forms F22S.
Identifiers: ClinVar variation 585191 (VCV000585191.17), dbSNP rs565073445, ClinGen allele CA3069231.